The following is an entry in ClinVar:

ClinVar aggregate classification (germline): Likely benign. Review status: criteria provided, multiple submitters, no conflicts (2 of 4 stars). 2 submissions from 2 submitters: Likely benign (2). Last evaluated 2025-07-02.

Conditions:
RERE-related disorder. Also called: RERE-related condition; RERE-Related Disorders. Identifiers: MedGen CN381537.

gnomAD v4.1: 208 of 1,550,718 alleles (0.013%); highest among the groups gnomAD compares: African/African-American, 0.22%; no homozygotes.

Submissions (2):

PreventionGenetics, part of Exact Sciences
Classification: Likely benign for RERE-related condition. Last evaluated: 2025-07-02. Review status: criteria provided, single submitter. Criteria: ACMG Guidelines, 2015. Collection method: clinical testing. Allele origin: germline.
Comment: This variant is classified as likely benign based on ACMG/AMP sequence variant interpretation guidelines (Richards et al. 2015 PMID: 25741868, with internal and published modifications).

Blueprint Genetics
Classification: Likely benign. Last evaluated: 2024-09-11. Review status: criteria provided, single submitter. Criteria: ACMG Guidelines, 2015. Collection method: clinical testing. Allele origin: germline.

NM_001042681.2(RERE):c.2679C>T (p.Tyr893=)

Gene: RERE (arginine-glutamic acid dipeptide repeats; minus strand). Cytogenetic location: 1p36.23.
Variant type: single nucleotide variant.
Coding change: c.2679C>T on transcript NM_001042681.2 (MANE Select); coding-DNA position 2679, C replaced by T.
Protein change: p.Tyr893=; no amino-acid change (tyrosine 893 retained).
Molecular consequence: synonymous variant.
Genome position (GRCh38, 1-based): chr1:8,360,828, G>A on the plus strand (C>T on the coding strand, the complement: RERE is on the minus strand). VCF-style: chr1-8360828-G-A. GRCh37 (hg19) VCF-style: chr1-8420888-G-A.
Other names: c.2679C>T (NM_012102.3); c.1017C>T, p.Tyr339= (NM_001042682.2); c.2679C>T, p.Tyr893= (NM_012102.4).
Identifiers: ClinVar variation 4944083 (VCV004944083.2).